The following is an entry in ClinVar:

NC_012920.1(MT-TQ):m.4387C>T

Gene: MT-TQ (mitochondrially encoded tRNA glutamine; minus strand).
Variant type: single nucleotide variant.
Genome position: chrM-4387-C-T.
Identifiers: ClinVar variation 689904 (VCV000689904.1), dbSNP rs1556422854, ClinGen allele CA913177969.

ClinVar aggregate classification (germline): Likely benign (1 of 4 stars; one submission).

Conditions:
MELAS syndrome (MELAS). Also called: Juvenile myopathy, encephalopathy, lactic acidosis, stroke. Identifiers: Orphanet 550, MedGen C0162671, MONDO:0010789, OMIM 540000.

Submission:

Wong Mito Lab, Molecular and Human Genetics, Baylor College of Medicine
Classification: Likely benign for MELAS syndrome. Last evaluated: 2019-07-12. Review status: criteria provided, single submitter. Criteria: Modified ACMG Guidelines (Unpublished). Collection method: clinical testing. Allele origin: germline.
Comment: The NC_012920.1:m.4387C>T variant in MT-TQ gene is interpreted to be a Likely Benign variant based on the modified ACMG guidelines (unpublished). This variant meets the following evidence codes reported in the guidelines: BS4, BP4

Literature cited by the submitters: PubMed 31965079.